The following is an entry in ClinVar:

NM_000475.5(NR0B1):c.1365A>G (p.Thr455=)

Gene: NR0B1 (nuclear receptor subfamily 0 group B member 1; minus strand). Cytogenetic location: Xp21.2.
Variant type: single nucleotide variant.
Coding change: c.1365A>G on transcript NM_000475.5 (MANE Select); coding-DNA position 1365, A replaced by G.
Protein change: p.Thr455=; no amino-acid change (threonine 455 retained).
Molecular consequence: synonymous variant.
Genome position (GRCh38, 1-based): chrX:30,304,627, T>C on the plus strand (A>G on the coding strand, the complement: NR0B1 is on the minus strand). VCF-style: chrX-30304627-T-C. GRCh37 (hg19) VCF-style: chrX-30322744-T-C.
Identifiers: ClinVar variation 436028 (VCV000436028.11), dbSNP rs572970359, ClinGen allele CA10376256.

ClinVar aggregate classification (germline): Benign/Likely benign. Review status: criteria provided, multiple submitters, no conflicts (2 of 4 stars). 3 submissions from 3 submitters: Benign (1); Likely benign (1). 1 of the submissions does not count toward it. Last evaluated 2026-01-28.

Conditions:
NR0B1-related disorder.
Congenital adrenal hypoplasia, X-linked (AHC). Also called: X-linked AHC; X-Linked Adrenal Hypoplasia Congenita; ADRENAL HYPOPLASIA, CONGENITAL, WITH HYPOGONADOTROPIC HYPOGONADISM; Isolated X-Linked Adrenal Hypoplasia Congenita. Identifiers: Orphanet 95702, MedGen C0342482, MONDO:0010264, OMIM 300200. Disease mechanism: loss of function.
46,XY sex reversal 2. Also called: NR0B1-Related 46,XY CGD; NR0B1-related 46,XY complete gonadal dysgenesis; Dosage-sensitive sex reversal; 46,XY SEX REVERSAL, DAX1-RELATED; 46XY sex reversal 2, dosage-sensitive. Identifiers: MedGen C1848296, MONDO:0010226, OMIM 300018.

Allele frequency attached by ClinVar (database versions not stated): gnomAD 0.00001 and 0.00009; TOPMed 0.00003; gnomAD exomes 0.00046; ExAC 0.00051; 1000 Genomes Project 0.00185; 1000 Genomes Project 30x 0.00187.

Submissions (3):

Labcorp Genetics (formerly Invitae), Labcorp
Classification: Benign for Congenital adrenal hypoplasia, X-linked; 46,XY sex reversal 2. Last evaluated: 2026-01-28. Review status: criteria provided, single submitter. Criteria: Invitae Variant Classification Sherloc (09022015). Collection method: clinical testing. Allele origin: germline.

Genetic Services Laboratory, University of Chicago
Classification: Likely benign. Last evaluated: 2016-08-22. Review status: criteria provided, single submitter. Criteria: ACMG Guidelines, 2015. Collection method: clinical testing. Allele origin: germline. Affected: no.

PreventionGenetics, part of Exact Sciences
Classification: Benign for NR0B1-related condition. Last evaluated: 2019-06-17. Review status: no assertion criteria provided. Collection method: clinical testing. Allele origin: germline. Not counted in ClinVar's aggregate classification.
Comment: This variant is classified as benign based on ACMG/AMP sequence variant interpretation guidelines (Richards et al. 2015 PMID: 25741868, with internal and published modifications).